The following is an entry in ClinVar:

NM_022367.4(SEMA4A):c.1696_1698del (p.Lys566del)

Gene: SEMA4A (semaphorin 4A; plus strand). Cytogenetic location: 1q22.
Variant type: Deletion.
Coding change: c.1696_1698del on transcript NM_022367.4 (MANE Select); coding-DNA positions 1696 to 1698, 3 bases deleted (AAA; older notation c.1696_1698delAAA).
Protein change: p.Lys566del; deletes lysine 566.
Molecular consequence: inframe deletion.
Genome position (GRCh38, 1-based): chr1:156,176,407-156,176,409, AAA deleted. VCF-style (leftmost placement, unchanged base first): chr1-156176406-TAAA-T. GRCh37 (hg19) VCF-style: chr1-156146197-TAAA-T.
Other names: c.1696_1698del, p.Lys566del (NM_001193300.2, NM_001193301.2, NM_001370567.1); c.1300_1302del, p.Lys434del (NM_001193302.2); c.1399_1401del, p.Lys467del (NM_001370568.1); c.1189_1191del, p.Lys397del (NM_001370569.1, NM_001370571.1); short protein forms K397del, K434del, K467del, K566del.
Identifiers: ClinVar variation 1055110 (VCV001055110.8), dbSNP rs2103013903, ClinGen allele CA2499214213.

ClinVar aggregate classification (germline): Uncertain significance (1 of 4 stars; one submission).

Allele frequency attached by ClinVar (database versions not stated): gnomAD exomes below 0.00001.

Submission:

Labcorp Genetics (formerly Invitae), Labcorp
Classification: Uncertain significance. Last evaluated: 2020-07-14. Review status: criteria provided, single submitter. Criteria: Invitae Variant Classification Sherloc (09022015). Collection method: clinical testing. Allele origin: germline.
Comment: In summary, the available evidence is currently insufficient to determine the role of this variant in disease. Therefore, it has been classified as a Variant of Uncertain Significance. Experimental studies and prediction algorithms are not available or were not evaluated, and the functional significance of this variant is currently unknown. This variant has not been reported in the literature in individuals with SEMA4A-related conditions. This variant is not present in population databases (ExAC no frequency). This variant, c.1696_1698del, results in the deletion of 1 amino acid(s) of the SEMA4A protein (p.Lys566del), but otherwise preserves the integrity of the reading frame.